The following is an entry in ClinVar:

ClinVar aggregate classification (germline): Pathogenic (1 of 4 stars; one submission).

Conditions:
Retinoblastoma (RB1). Also called: RETINOBLASTOMA, SOMATIC. Identifiers: Orphanet 790, MedGen C0035335, MeSH D012175, MONDO:0008380, OMIM 180200, HP:0009919. Disease mechanism: loss of function. Inheritance: Both sporadic and heritable forms are tested..

Submission:

Genetic Diagnostic Laboratory, University of Pennsylvania School of Medicine
Classification: Pathogenic for Retinoblastoma. Last evaluated: 2024-05-20. Review status: criteria provided, single submitter. Criteria: ACMG Guidelines, 2015. Collection method: clinical testing. Allele origin: germline. Affected: yes. Observed: 1 variant allele.
Comment: Case and Pedigree Information: BILATERAL CASES:1, UNILATERAL CASES:0, TOTAL CASES:1, PEDIGREES:1. ACMG Codes Applied:PVS1, PM2

NM_000321.3(RB1):c.2126_2137delinsGAACACATGTG (p.Tyr709_Lys713delinsTer)

Gene: RB1 (RB transcriptional corepressor 1; plus strand). Cytogenetic location: 13q14.2.
Variant type: Indel.
Coding change: c.2126_2137delinsGAACACATGTG on transcript NM_000321.3 (MANE Select); coding-DNA positions 2126 to 2137, ATGGCATATGCA replaced by GAACACATGTG.
Protein change: p.Tyr709_Lys713delinsTer.
Molecular consequence: nonsense.
Genome position (GRCh38, 1-based): chr13:48,463,750-48,463,761, ATGGCATATGCA replaced by GAACACATGTG. VCF-style: chr13-48463750-ATGGCATATGCA-GAACACATGTG. GRCh37 (hg19) VCF-style: chr13-49037886-ATGGCATATGCA-GAACACATGTG.
Other names: c.2126_2137delinsGAACACATGTG, p.Tyr709_Lys713delinsTer (NM_001407165.1).
Identifiers: ClinVar variation 3237070 (VCV003237070.1), dbSNP rs2542373579.
Genomic context (GRCh38, chr13:48,463,750, plus strand): 5'-TAATAAAATTCTGACTACTTTTACATCAATTTATTTACTAGATTATGATGTGTTCCATGT[ATGGCATATGCA>GAACACATGTG]AAGTGAAGAATATAGACCTTAAATTCAAAATCATTGTAACAGCATACAAGGATCTTCCTC-3'